The following is an entry in ClinVar:

ClinVar aggregate classification (germline): Benign (1 of 4 stars; one submission).

Conditions:
Neurodegeneration with brain iron accumulation 4 (NBIA4). Also called: MITOCHONDRIAL PROTEIN-ASSOCIATED NEURODEGENERATION. Identifiers: Orphanet 289560, MedGen C3280371, MONDO:0013674, OMIM 614298. Disease mechanism: loss of function.

Allele frequency attached by ClinVar (database versions not stated): ExAC 0.00009; gnomAD exomes 0.00044 and 0.00065; gnomAD 0.00181 and 0.00183; TOPMed 0.00218; 1000 Genomes Project 0.00339; 1000 Genomes Project 30x 0.00359.
gnomAD v4.1: 412 of 454,026 alleles (0.091%); highest among the groups gnomAD compares: African/African-American, 0.55%; no homozygotes.

Submission:

Illumina Laboratory Services, Illumina
Classification: Benign for Neurodegeneration with brain iron accumulation 4. Last evaluated: 2017-04-27. Review status: criteria provided, single submitter. Criteria: ICSL Variant Classification Criteria 13 December 2019. Collection method: clinical testing. Allele origin: germline.
Comment: This variant was observed as part of a predisposition screen in an ostensibly healthy population. A literature search was performed for the gene, cDNA change, and amino acid change (where applicable). No publications were found based on this search. Allele frequency data from public databases was too high to be consistent with this variant causing disease. Therefore, this variant is classified as benign.

NM_031448.6(C19orf12):c.*2778C>T

Gene: C19orf12 (chromosome 19 open reading frame 12; minus strand). Cytogenetic location: 19q12.
Variant type: single nucleotide variant.
Coding change: c.*2778C>T on transcript NM_031448.6 (MANE Select); 2778 bases downstream of the stop codon, C replaced by T.
Molecular consequence: 3 prime UTR variant.
Genome position (GRCh38, 1-based): chr19:29,699,934, G>A on the plus strand (C>T on the coding strand, the complement: C19orf12 is on the minus strand). VCF-style: chr19-29699934-G-A. GRCh37 (hg19) VCF-style: chr19-30190841-G-A.
Other names: c.*2778C>T (NM_001031726.4, NM_001256047.2, NM_001282929.1 and 2 more transcripts); c.*2825C>T (NM_001256046.3).
Identifiers: ClinVar variation 888790 (VCV000888790.4), dbSNP rs80024917, ClinGen allele CA9351668.
Genomic context (GRCh38, chr19:29,699,934, plus strand): 5'-AACCACAGGAGCTGAGAAGCAGCGCTTGATTTCCTGGGGGAAATCAAGAAAAGTGCTTTC[G>A]GCTCCTGGGGGAGATAAGACTCCAGGTTCAGGCTGCCCTTTTAGGCCCAAAGCCTCCAAG-3'